The following is an entry in ClinVar:

NM_001122630.2(CDKN1C):c.522T>C (p.Ala174=)

Gene: CDKN1C (cyclin dependent kinase inhibitor 1C; minus strand). Cytogenetic location: 11p15.4.
Variant type: single nucleotide variant.
Coding change: c.522T>C on transcript NM_001122630.2 (MANE Select); coding-DNA position 522, T replaced by C.
Protein change: p.Ala174=; no amino-acid change (alanine 174 retained).
Molecular consequence: synonymous variant. On other transcripts: intron variant (1).
Genome position (GRCh38, 1-based): chr11:2,884,935, A>G on the plus strand (T>C on the coding strand, the complement: CDKN1C is on the minus strand). VCF-style: chr11-2884935-A-G. GRCh37 (hg19) VCF-style: chr11-2906165-A-G.
Other names: c.555T>C, p.Ala185= (NM_000076.2, NM_001362474.2); c.522T>C, p.Ala174= (NM_001122631.2); c.255+267T>C (NM_001362475.2).
Identifiers: ClinVar variation 158189 (VCV000158189.33), dbSNP rs191294997, ClinGen allele CA171662.

ClinVar aggregate classification (germline): Benign/Likely benign. Review status: criteria provided, multiple submitters, no conflicts (2 of 4 stars). 10 submissions from 10 submitters: Benign (8); Likely benign (1). 1 of the submissions does not count toward it. Last evaluated 2026-02-04.

Conditions:
CDKN1C-related disorder. Also called: CDKN1C-related condition.
Inborn genetic diseases. Identifiers: MedGen C0950123, MeSH D030342.
Beckwith-Wiedemann syndrome (BWS). Also called: Exomphalos macroglossia gigantism syndrome; EMG SYNDROME. Identifiers: Orphanet 116, MedGen C0004903, MONDO:0007534, OMIM 130650.

Allele frequency attached by ClinVar (database versions not stated): gnomAD exomes 0.22131; 1000 Genomes Project 0.22244; gnomAD 0.26421 and 0.26852.
gnomAD v4.1: 190,519 of 899,522 alleles (21%); highest among the groups gnomAD compares: African/African-American, 36%; 21,387 homozygotes.

Submissions (10):

Labcorp Genetics (formerly Invitae), Labcorp
Classification: Benign for Beckwith-Wiedemann syndrome. Last evaluated: 2026-02-04. Review status: criteria provided, single submitter. Criteria: Invitae Variant Classification Sherloc (09022015). Collection method: clinical testing. Allele origin: germline.

Blueprint Genetics
Classification: Benign. Last evaluated: 2024-11-27. Review status: criteria provided, single submitter. Criteria: ACMG Guidelines, 2015. Collection method: clinical testing. Allele origin: germline.

Ambry Genetics
Classification: Likely benign for Inborn genetic diseases. Last evaluated: 2023-06-07. Review status: criteria provided, single submitter. Criteria: Ambry Variant Classification Scheme 2023. Collection method: clinical testing. Allele origin: germline.

Genetic Services Laboratory, University of Chicago
Classification: Benign. Last evaluated: 2020-06-18. Review status: criteria provided, single submitter. Criteria: ACMG Guidelines, 2015. Collection method: clinical testing. Allele origin: germline. Affected: no.

Sema4
Classification: Benign for Beckwith-Wiedemann syndrome. Last evaluated: 2019-12-09. Review status: criteria provided, single submitter. Criteria: Sema4 Curation Guidelines. Collection method: curation. Allele origin: germline.

GeneDx
Classification: Benign. Last evaluated: 2019-02-24. Review status: criteria provided, single submitter. Criteria: GeneDx Variant Classification Process June 2021. Collection method: clinical testing. Allele origin: germline. Affected: yes.

Eurofins Ntd Llc (ga)
Classification: Benign. Last evaluated: 2018-03-06. Review status: criteria provided, single submitter. Criteria: EGL ClinVar v180209 classification definitions. Collection method: clinical testing. Allele origin: germline. Observed: 84 variant alleles, 78 heterozygotes, 6 homozygotes.

Laboratory for Molecular Medicine, Mass General Brigham Personalized Medicine
Classification: Benign. Last evaluated: 2016-03-28. Review status: criteria provided, single submitter. Criteria: LMM Criteria. Collection method: clinical testing. Allele origin: germline.
Comment: Variant identified in a genome or exome case(s) and assessed due to predicted null impact of the variant or pathogenic assertions in the literature or databases. Disclaimer: This variant has not undergone full assessment. The following are preliminary notes: Frequency

Breakthrough Genomics
Classification: Benign. Review status: criteria provided, single submitter. Criteria: ACMG Guidelines, 2015. Collection method: not provided. Allele origin: germline. Inheritance: Autosomal dominant inheritance. Affected: yes.

PreventionGenetics, part of Exact Sciences
Classification: Benign for CDKN1C-related condition. Last evaluated: 2024-09-17. Review status: no assertion criteria provided. Collection method: clinical testing. Allele origin: germline. Not counted in ClinVar's aggregate classification.
Comment: This variant is classified as benign based on ACMG/AMP sequence variant interpretation guidelines (Richards et al. 2015 PMID: 25741868, with internal and published modifications).